The following is an entry in ClinVar:

ClinVar aggregate classification (germline): Uncertain significance (0 of 4 stars; one submission).

Conditions:
SFTPC-related disorder. Also called: SFTPC-related condition.

gnomAD v4.1: 14 of 1,614,080 alleles (0.00087%); highest among the groups gnomAD compares: African/African-American, 0.004%; no homozygotes.

Submission:

PreventionGenetics, part of Exact Sciences
Classification: Uncertain significance for SFTPC-related condition. Last evaluated: 2024-06-02. Review status: no assertion criteria provided. Collection method: clinical testing. Allele origin: germline.
Comment: The SFTPC c.104G>A variant is predicted to result in the amino acid substitution p.Arg35His. To our knowledge, this variant has not been reported in the literature. This variant is reported in 0.0056% of alleles in individuals of East Asian descent in gnomAD. At this time, the clinical significance of this variant is uncertain due to the absence of conclusive functional and genetic evidence.

NM_001317778.2(SFTPC):c.104G>A (p.Arg35His)

Gene: SFTPC (surfactant protein C; plus strand). Cytogenetic location: 8p21.3.
Variant type: single nucleotide variant.
Coding change: c.104G>A on transcript NM_001317778.2 (MANE Select); coding-DNA position 104, G replaced by A.
Protein change: p.Arg35His; replaces arginine 35 with histidine.
Molecular consequence: missense variant. On other transcripts: intron variant (2).
Genome position (GRCh38, 1-based): chr8:22,162,635, G>A. VCF-style: chr8-22162635-G-A. GRCh37 (hg19) VCF-style: chr8-22020148-G-A.
Other names: c.104G>A, p.Arg35His (NM_001172357.2, NM_001172410.2, NM_001317780.2 and 8 more transcripts); c.43-445G>A (NM_001385660.1, NM_001317779.2); short protein forms R35H.
Identifiers: ClinVar variation 3357605 (VCV003357605.1).